The following is an entry in ClinVar:

NM_032043.3(BRIP1):c.3396T>G (p.Phe1132Leu)

Gene: BRIP1 (BRCA1 interacting DNA helicase 1; minus strand). Cytogenetic location: 17q23.2.
Variant type: single nucleotide variant.
Coding change: c.3396T>G on transcript NM_032043.3 (MANE Select); coding-DNA position 3396, T replaced by G.
Protein change: p.Phe1132Leu; replaces phenylalanine 1132 with leucine.
Molecular consequence: missense variant.
Genome position (GRCh38, 1-based): chr17:61,683,650, A>C on the plus strand (T>G on the coding strand, the complement: BRIP1 is on the minus strand). VCF-style: chr17-61683650-A-C. GRCh37 (hg19) VCF-style: chr17-59761011-A-C.
Other names: short protein forms F1132L.
Identifiers: ClinVar variation 2774980 (VCV002774980.2), dbSNP rs876659137, ClinGen allele CA400478818.

ClinVar aggregate classification (germline): Uncertain significance (1 of 4 stars; one submission).

Conditions:
Hereditary cancer-predisposing syndrome. Also called: Neoplastic Syndromes, Hereditary; Tumor predisposition; Hereditary Cancer Syndrome; Hereditary neoplastic syndrome. Identifiers: Orphanet 140162, MedGen C0027672, MeSH D009386, MONDO:0015356.

Submission:

Color Diagnostics, LLC DBA Color Health
Classification: Uncertain significance for Hereditary cancer-predisposing syndrome. Last evaluated: 2024-03-06. Review status: criteria provided, single submitter. Criteria: ACMG Guidelines, 2015. Collection method: clinical testing. Allele origin: germline.
Comment: This missense variant replaces phenylalanine with leucine at codon 1132 of the BRIP1 protein. Computational prediction suggests that this variant may not impact protein structure and function (internally defined REVEL score threshold <= 0.5, PMID: 27666373). To our knowledge, functional studies have not been reported for this variant. This variant has not been reported in individuals affected with hereditary cancer in the literature. This variant has not been identified in the general population by the Genome Aggregation Database (gnomAD). The available evidence is insufficient to determine the role of this variant in disease conclusively. Therefore, this variant is classified as a Variant of Uncertain Significance.